The following is an entry in ClinVar:

NM_002226.5(JAG2):c.221G>C (p.Cys74Ser)

Gene: JAG2 (jagged canonical Notch ligand 2; minus strand). Cytogenetic location: 14q32.33.
Variant type: single nucleotide variant.
Coding change: c.221G>C on transcript NM_002226.5 (MANE Select); coding-DNA position 221, G replaced by C.
Protein change: p.Cys74Ser; replaces cysteine 74 with serine.
Molecular consequence: missense variant.
Genome position (GRCh38, 1-based): chr14:105,167,953, C>G on the plus strand (G>C on the coding strand, the complement: JAG2 is on the minus strand). VCF-style: chr14-105167953-C-G. GRCh37 (hg19) VCF-style: chr14-105634290-C-G.
Other names: c.221G>C, p.Cys74Ser (NM_145159.3); c.221G>C (NM_002226.4); short protein forms C74S.
Identifiers: ClinVar variation 1300193 (VCV001300193.3), dbSNP rs2141000225, ClinGen allele CA391173994.
Genomic context (GRCh38, chr14:105,167,953, plus strand): 5'-GCGCCGTGGCCGTAGCTGCAGGGCCCCGTGGGCGTCACCTTGGCCTGGTACTCCTTAAGG[C>G]ACACGCGCACGTACGTGTCGCACTCGTCGTGGCCGCAGCCCCCCGCGCGCGTTGTCCGGC-3'
Protein context (NP_002217.3, residues 64-84): HDECDTYVRV[Cys74Ser]LKEYQAKVTP

ClinVar aggregate classification (germline): Conflicting classifications of pathogenicity. Review status: criteria provided, conflicting classifications (1 of 4 stars). 3 submissions from 3 submitters: Likely pathogenic (1); Uncertain significance (1). 1 of the submissions does not count toward it. Last evaluated 2024-02-20.

Conditions:
Muscular dystrophy, limb-girdle, autosomal recessive 27. Identifiers: MedGen C5562002, MONDO:0030456, OMIM 619566.

Submissions (3):

GeneDx
Classification: Likely pathogenic. Last evaluated: 2024-02-20. Review status: criteria provided, single submitter. Criteria: GeneDx Variant Classification Process June 2021. Collection method: clinical testing. Allele origin: germline. Affected: yes.
Comment: In silico analysis supports that this missense variant has a deleterious effect on protein structure/function; Not observed at significant frequency in large population cohorts (gnomAD); This variant is associated with the following publications: (PMID: 33861953)

SIB Swiss Institute of Bioinformatics
Classification: Uncertain significance for Muscular dystrophy, limb-girdle, autosomal recessive 27. Last evaluated: 2022-04-20. Review status: criteria provided, single submitter. Criteria: ACMG Guidelines, 2015. Collection method: curation. Allele origin: unknown.
Comment: This variant is interpreted as a variant of uncertain significance for Muscular dystrophy, limb-girdle, autosomal recessive 27. The following ACMG Tag(s) were applied: Absent from controls (or at extremely low frequency if recessive) in Exome Sequencing Project, 1000 Genomes Project, or Exome Aggregation Consortium (PM2); Cosegregation with disease in multiple affected family members in a gene definitively known to cause the disease (PP1); Multiple lines of computational evidence support a deleterious effect on the gene or gene product (PP3).

OMIM
Classification: Pathogenic for MUSCULAR DYSTROPHY, LIMB-GIRDLE, AUTOSOMAL RECESSIVE 27. Last evaluated: 2021-10-19. Review status: no assertion criteria provided. Collection method: literature only. Allele origin: germline. Not counted in ClinVar's aggregate classification.

Literature cited by the submitters: PubMed 33861953 (cited by SIB Swiss Institute of Bioinformatics and OMIM).